The following is an entry in ClinVar:

NM_002849.4(PTPRR):c.210C>T (p.Ser70=)

Gene: PTPRR (protein tyrosine phosphatase receptor type R; minus strand). Cytogenetic location: 12q15.
Variant type: single nucleotide variant.
Coding change: c.210C>T on transcript NM_002849.4 (MANE Select); coding-DNA position 210, C replaced by T.
Protein change: p.Ser70=; no amino-acid change (serine 70 retained).
Molecular consequence: synonymous variant.
Genome position (GRCh38, 1-based): chr12:70,892,826, G>A on the plus strand (C>T on the coding strand, the complement: PTPRR is on the minus strand). VCF-style: chr12-70892826-G-A. GRCh37 (hg19) VCF-style: chr12-71286606-G-A.
Identifiers: ClinVar variation 1694671 (VCV001694671.31), dbSNP rs149684669, ClinGen allele CA6685474.
Genomic context (GRCh38, chr12:70,892,826, plus strand): 5'-ATATGCGGGTCTAGGAAATGCTGAATTGACAATCTGGTGGCGTTTGCTTACTTGAGCTTC[G>A]GAAGAGGAATGGTAGCTATGTCTGTAGATTTTTTGTGGGGCTATATCCAGGCTCTTCTCA-3'
Protein context (NP_002840.2, residues 60-80): KIYRHSYHSS[Ser70=]EAQVSKRHQI

ClinVar aggregate classification (germline): Likely benign (1 of 4 stars; one submission).

Allele frequency attached by ClinVar (database versions not stated): 1000 Genomes Project 0.00200; 1000 Genomes Project 30x 0.00203; ESP Exome Variant Server 0.00292.
gnomAD v4.1: 5,454 of 1,613,460 alleles (0.34%); highest among the groups gnomAD compares: Non-Finnish European, 0.4%; 8 homozygotes.

Submission:

CeGaT Center for Human Genetics Tuebingen
Classification: Likely benign. Last evaluated: 2022-05-01. Review status: criteria provided, single submitter. Criteria: CeGaT Center For Human Genetics Tuebingen Variant Classification Criteria Version 2. Collection method: clinical testing. Allele origin: germline. Affected: yes. Observed: 1 variant allele.
Comment: PTPRR: BP4, BP7